The following is an entry in ClinVar:

NM_138694.4(PKHD1):c.7081_7082del (p.Thr2361fs)

Gene: PKHD1 (PKHD1 ciliary IPT domain containing fibrocystin/polyductin; minus strand). Cytogenetic location: 6p12.2.
Variant type: Deletion.
Coding change: c.7081_7082del on transcript NM_138694.4 (MANE Select); coding-DNA positions 7081 to 7082, 2 bases deleted (AC; older notation c.7081_7082delAC).
Protein change: p.Thr2361fs; shifts the reading frame from threonine 2361.
Molecular consequence: frameshift variant.
Genome position (GRCh38, 1-based): chr6:51,887,160-51,887,161, GT deleted on the plus strand (AC on the coding strand, the reverse complement: PKHD1 is on the minus strand); deleting any 2 consecutive bases within chr6:51,887,160-51,887,162 gives the same sequence; the c. name uses the placement nearest the transcript's 3' end. VCF-style (leftmost placement, unchanged base first): chr6-51887159-AGT-A. GRCh37 (hg19) VCF-style: chr6-51751957-AGT-A.
Other names: c.7081_7082del, p.Thr2361fs (NM_170724.3); short protein forms T2361fs.
Identifiers: ClinVar variation 1724337 (VCV001724337.2), dbSNP rs2536251395, ClinGen allele CA2580075485.

ClinVar aggregate classification (germline): Likely pathogenic (1 of 4 stars; one submission).

Conditions:
Polycystic kidney disease 4 (PKD4). Also called: POLYCYSTIC KIDNEY AND HEPATIC DISEASE 1; POLYCYSTIC KIDNEY DISEASE, INFANTILE, TYPE I; POLYCYSTIC KIDNEY DISEASE 4 WITH OR WITHOUT POLYCYSTIC LIVER DISEASE; PKD3; Autosomal Recessive Polycystic Kidney Disease – PKHD1. Identifiers: MedGen C4540575, MONDO:0033004, OMIM 263200.

Submission:

Myriad Genetics, Inc.
Classification: Likely pathogenic for Polycystic kidney disease 4. Last evaluated: 2022-02-07. Review status: criteria provided, single submitter. Criteria: Myriad Women's Health Autosomal Recessive and X-Linked Classification Criteria (2021). Collection method: clinical testing. Allele origin: unknown.
Comment: NM_138694.3(PKHD1):c.7081_7082delAC(T2361Sfs*17) is expected to be pathogenic in the context of autosomal recessive polycystic kidney disease, PKHD1-related. This variant is predicted to lead to an abnormal or absent protein product due to the creation of a premature termination codon in PKHD1, a gene where loss-of-function variants are known to be pathogenic. Please note: this variant was assessed in the context of healthy population screening.